The following is an entry in ClinVar:

ClinVar aggregate classification (germline): Uncertain significance. Review status: criteria provided, multiple submitters, no conflicts (2 of 4 stars). 2 submissions from 2 submitters: Uncertain significance (2). Last evaluated 2024-05-23.

Conditions:
GTP cyclohydrolase I deficiency. Identifiers: MedGen C0268467, MONDO:0100184.
Dystonia 5 (DRD). Also called: DYSTONIA, PROGRESSIVE, WITH DIURNAL VARIATION; DYSTONIA-PARKINSONISM WITH DIURNAL FLUCTUATION; DYT-GCH1; GTP Cyclohydrolase 1-Deficient Dopa-Responsive Dystonia; Dystonia, DOPA-responsive, with or without hyperphenylalaninemia. Identifiers: Orphanet 98808, MedGen C1851920, MONDO:0007495, OMIM 128230.

Submissions (2):

GeneDx
Classification: Uncertain significance. Last evaluated: 2024-05-23. Review status: criteria provided, single submitter. Criteria: GeneDx Variant Classification Process June 2021. Collection method: clinical testing. Allele origin: germline. Affected: yes.
Comment: Not observed at significant frequency in large population cohorts (gnomAD); In silico analysis supports that this missense variant has a deleterious effect on protein structure/function; Has not been previously published as pathogenic or benign to our knowledge

Labcorp Genetics (formerly Invitae), Labcorp
Classification: Uncertain significance for GTP cyclohydrolase I deficiency; Dystonia 5. Last evaluated: 2024-03-03. Review status: criteria provided, single submitter. Criteria: Invitae Variant Classification Sherloc (09022015). Collection method: clinical testing. Allele origin: germline.
Comment: This sequence change replaces phenylalanine, which is neutral and non-polar, with leucine, which is neutral and non-polar, at codon 122 of the GCH1 protein (p.Phe122Leu). This variant is not present in population databases (gnomAD no frequency). This variant has not been reported in the literature in individuals affected with GCH1-related conditions. ClinVar contains an entry for this variant (Variation ID: 1315346). Advanced modeling of protein sequence and biophysical properties (such as structural, functional, and spatial information, amino acid conservation, physicochemical variation, residue mobility, and thermodynamic stability) performed at Invitae indicates that this missense variant is expected to disrupt GCH1 protein function with a positive predictive value of 80%. In summary, the available evidence is currently insufficient to determine the role of this variant in disease. Therefore, it has been classified as a Variant of Uncertain Significance.

NM_000161.3(GCH1):c.366T>G (p.Phe122Leu)

Gene: GCH1 (GTP cyclohydrolase 1; minus strand). Cytogenetic location: 14q22.2.
Variant type: single nucleotide variant.
Coding change: c.366T>G on transcript NM_000161.3 (MANE Select); coding-DNA position 366, T replaced by G.
Protein change: p.Phe122Leu; replaces phenylalanine 122 with leucine.
Molecular consequence: missense variant.
Genome position (GRCh38, 1-based): chr14:54,865,414, A>C on the plus strand (T>G on the coding strand, the complement: GCH1 is on the minus strand). VCF-style: chr14-54865414-A-C. GRCh37 (hg19) VCF-style: chr14-55332132-A-C.
Other names: c.366T>G, p.Phe122Leu (NM_001024024.2, NM_001024070.2, NM_001024071.2); short protein forms F122L.
Identifiers: ClinVar variation 1315346 (VCV001315346.5), dbSNP rs2140074154, ClinGen allele CA389790241.